The following is an entry in ClinVar:

NC_000017.10:g.(?_39973290)_(39977361_?)del

Gene: FKBP10 (FKBP prolyl isomerase 10; plus strand). Cytogenetic location: 17q21.2.
Variant type: Deletion.
Identifiers: ClinVar variation 3243203 (VCV003243203.1).

ClinVar aggregate classification (germline): Pathogenic (1 of 4 stars; one submission).

Submission:

Labcorp Genetics (formerly Invitae), Labcorp
Classification: Pathogenic. Last evaluated: 2023-05-23. Review status: criteria provided, single submitter. Criteria: Invitae Variant Classification Sherloc (09022015). Collection method: clinical testing. Allele origin: unknown.
Comment: For these reasons, this variant has been classified as Pathogenic. This variant has not been reported in the literature in individuals affected with FKBP10-related conditions. This variant is a gross deletion of the genomic region encompassing exon(s) 2-8 of the FKBP10 gene. This deletion is out-of-frame, and is expected to create a premature termination codon and result in an absent or disrupted protein product. Loss-of-function variants in FKBP10 are known to be pathogenic (PMID: 22689593, 22949511).

Literature cited by the submitters: PubMed 22689593; PubMed 22949511.